The following is an entry in ClinVar:

ClinVar aggregate classification (germline): Pathogenic. Review status: criteria provided, multiple submitters, no conflicts (2 of 4 stars). 2 submissions from 2 submitters: Pathogenic (2). Last evaluated 2025-08-22.

Conditions:
Familial cancer of breast. Also called: BREAST CANCER, FAMILIAL; hereditary breast carcinoma; Hereditary breast cancer. Identifiers: Orphanet 227535, MedGen C0346153, MONDO:0016419, OMIM 114480. Disease mechanism: loss of function.

Submissions (2):

Labcorp Genetics (formerly Invitae), Labcorp
Classification: Pathogenic for Familial cancer of breast. Last evaluated: 2025-08-22. Review status: criteria provided, single submitter. Criteria: Invitae Variant Classification Sherloc (09022015). Collection method: clinical testing. Allele origin: germline.
Comment: This sequence change creates a premature translational stop signal (p.Ser260*) in the CHEK2 gene. It is expected to result in an absent or disrupted protein product. Loss-of-function variants in CHEK2 are known to be pathogenic (PMID: 21876083, 24713400). This variant is not present in population databases (gnomAD no frequency). This variant has not been reported in the literature in individuals affected with CHEK2-related conditions. ClinVar contains an entry for this variant (Variation ID: 2584292). For these reasons, this variant has been classified as Pathogenic.

Myriad Genetics, Inc.
Classification: Pathogenic for Familial cancer of breast. Last evaluated: 2023-06-26. Review status: criteria provided, single submitter. Criteria: Myriad Autosomal Dominant, Autosomal Recessive and X-Linked Classification Criteria (2023). Collection method: clinical testing. Allele origin: unknown.
Comment: This variant is considered pathogenic. This variant creates a termination codon and is predicted to result in premature protein truncation.

Literature cited by the submitters: PubMed 21876083 (cited by Labcorp Genetics (formerly Invitae), Labcorp); PubMed 24713400 (cited by Labcorp Genetics (formerly Invitae), Labcorp).

NM_007194.4(CHEK2):c.779C>G (p.Ser260Ter)

Gene: CHEK2 (checkpoint kinase 2; minus strand). Cytogenetic location: 22q12.1.
Variant type: single nucleotide variant.
Coding change: c.779C>G on transcript NM_007194.4 (MANE Select); coding-DNA position 779, C replaced by G.
Protein change: p.Ser260Ter; replaces serine 260 with a stop codon.
Molecular consequence: nonsense.
Genome position (GRCh38, 1-based): chr22:28,711,922, G>C on the plus strand (C>G on the coding strand, the complement: CHEK2 is on the minus strand). VCF-style: chr22-28711922-G-C. GRCh37 (hg19) VCF-style: chr22-29107910-G-C.
Other names: c.908C>G, p.Ser303Ter (NM_001005735.3); c.116C>G, p.Ser39Ter (NM_001257387.3); c.578C>G, p.Ser193Ter (NM_001349956.3); c.779C>G, p.Ser260Ter (NM_145862.3); short protein forms S193*, S260*, S303*, S39*.
Identifiers: ClinVar variation 2584292 (VCV002584292.3), dbSNP rs1060502710, ClinGen allele CA411103079.